The following is an entry in ClinVar:

NM_005633.4(SOS1):c.571G>A (p.Glu191Lys)

Gene: SOS1 (SOS Ras/Rac guanine nucleotide exchange factor 1; minus strand). Cytogenetic location: 2p22.1.
Variant type: single nucleotide variant.
Coding change: c.571G>A on transcript NM_005633.4 (MANE Select); coding-DNA position 571, G replaced by A.
Protein change: p.Glu191Lys; replaces glutamic acid 191 with lysine.
Molecular consequence: missense variant.
Genome position (GRCh38, 1-based): chr2:39,054,763, C>T on the plus strand (G>A on the coding strand, the complement: SOS1 is on the minus strand). VCF-style: chr2-39054763-C-T. GRCh37 (hg19) VCF-style: chr2-39281904-C-T.
Other names: c.550G>A, p.Glu184Lys (NM_001382394.1); c.571G>A, p.Glu191Lys (NM_001382395.1); short protein forms E191K, E184K.
Identifiers: ClinVar variation 40656 (VCV000040656.24), dbSNP rs886041241, ClinGen allele CA10602366.

ClinVar aggregate classification (germline): Conflicting classifications of pathogenicity. Review status: criteria provided, conflicting classifications (1 of 4 stars). 11 submissions from 10 submitters: Likely pathogenic (1); Uncertain significance (7). 3 of the submissions do not count toward it. Last evaluated 2026-04-07.

Conditions:
SOS1-related disorder. Also called: SOS1-related condition.
RASopathy. Also called: rasopathies; Noonan spectrum disorder. Identifiers: Orphanet 536391, MedGen C5555857, MONDO:0021060.
Noonan syndrome (NS). Also called: Noonan's syndrome. Identifiers: Orphanet 648, MedGen C0028326, MeSH D009634, MONDO:0018997. Disease mechanism: gain of function.
Fibromatosis, gingival, 1 (GINGF1). Identifiers: Orphanet 2024, MedGen C4551558, MONDO:0007609, OMIM 135300.
Noonan syndrome 4 (NS4). Also called: SOS1-Related Noonan Syndrome; NOONAN SYNDROME WITH PIGMENTED VILLONODULAR SYNOVITIS. Identifiers: Orphanet 648, MedGen C1853120, MONDO:0012547, OMIM 610733.
Primary dilated cardiomyopathy (DCM). Also called: Dilated Cardiomyopathy. Identifiers: Orphanet 217604, MedGen C0007193, MeSH D002311, MONDO:0005021, HP:0001644. Inheritance: Various modes of inheritance.

Allele frequency attached by ClinVar (database versions not stated): gnomAD 0.00001; gnomAD exomes 0.00001.

Submissions (11):

PreventionGenetics, part of Exact Sciences
Classification: Uncertain significance for SOS1-related condition. Last evaluated: 2026-04-07. Review status: criteria provided, single submitter. Criteria: ACMG Guidelines, 2015. Collection method: clinical testing. Allele origin: germline.
Comment: The SOS1 c.571G>A variant is predicted to result in the amino acid substitution p.Glu191Lys. This variant has been reported in a family with dilated cardiomyopathy; however, other variants in other genes were also shown to segregate with disease (Cowan et al. 2020. PubMed ID: 32603605). This variant is present in 0.011% of alleles in individuals of African descent in gnomAD. At this time, the clinical significance of this variant is uncertain due to the absence of conclusive functional and genetic evidence.

Labcorp Genetics (formerly Invitae), Labcorp
Classification: Uncertain significance for RASopathy. Last evaluated: 2026-01-19. Review status: criteria provided, single submitter. Criteria: Invitae Variant Classification Sherloc (09022015). Collection method: clinical testing. Allele origin: germline.
Comment: This sequence change replaces glutamic acid, which is acidic and polar, with lysine, which is basic and polar, at codon 191 of the SOS1 protein (p.Glu191Lys). This variant is present in population databases (no rsID available, gnomAD 0.01%). This missense change has been observed in individual(s) with dilated cardiomyopathy (PMID: 32603605). ClinVar contains an entry for this variant (Variation ID: 40656). Invitae Evidence Modeling of protein sequence and biophysical properties (such as structural, functional, and spatial information, amino acid conservation, physicochemical variation, residue mobility, and thermodynamic stability) has been performed for this missense variant. However, the output from this modeling did not meet the statistical confidence thresholds required to predict the impact of this variant on SOS1 protein function. In summary, the available evidence is currently insufficient to determine the role of this variant in disease. Therefore, it has been classified as a Variant of Uncertain Significance.

GeneDx
Classification: Uncertain significance. Last evaluated: 2025-11-18. Review status: criteria provided, single submitter. Criteria: GeneDx Variant Classification Process June 2021. Collection method: clinical testing. Allele origin: germline. Affected: yes.
Comment: Reported in a patient with dilated cardiomyopathy; however, this patient also harbored potentially disease-causing variants in other genes associated with cardiomyopathy (PMID: 32603605); Missense variants in this gene are a common cause of disease and they are underrepresented in the general population; In silico analysis suggests that this missense variant does not alter protein structure/function; This variant is associated with the following publications: (PMID: 29493581, 29437595, 32603605)

Institute of Human Genetics Munich, TUM University Hospital
Classification: Likely pathogenic for Noonan syndrome 4. Last evaluated: 2023-12-29. Review status: criteria provided, single submitter. Criteria: Classification criteria August 2017. Collection method: clinical testing. Allele origin: maternal. Inheritance: Autosomal dominant inheritance. Affected: yes. Observed: 1 variant allele.
Comment: Applying PS2, PM2 and PP5 the variant meets our criteria to be classified as likely pathogenic.

Mendelics
Classification: Uncertain significance. Last evaluated: 2022-05-04. Review status: criteria provided, single submitter. Criteria: Mendelics Assertion Criteria 2019. Collection method: clinical testing. Allele origin: germline.

St. Jude Molecular Pathology, St. Jude Children's Research Hospital
Classification: Uncertain significance for Noonan syndrome. Last evaluated: 2020-10-07. Review status: criteria provided, single submitter. Criteria: St. Jude Assertion Criteria 2020. Collection method: clinical testing. Allele origin: germline.
Comment: The c.571G>A missense variant has a frequency of 0.000006984 (1 of 143,180 alleles) with a maximum allele frequency of 0.00002380 (1 of 42,014) in the African subpopulation. This does not been criteria for PM2 based on ClinGen's RASopathy Expert Panel consensus methods for variant interpretation (PMID: 29493581). The p.Glu191Lys variant has been identified somatically in a patient with JMML (PMID: 29437595). The variant has also been found to segregate in a pedigree with aggressive, early-onset dilated cardiomyopathy alongside an A-band TTN truncating variant, and individuals without the SOS1 variant demonstrated reduced disease severity, thus suggesting this variant's potential involvement as a genetic risk factor for dilated cardiomyopathy in this family (PMID: 32603605). Five of seven in silico tools predict a deleterious effect of this variant on protein function (PP3). In ERK activation studies, the p.Glu191Lys variant increased phosphorylated ERK expression relative to wild-type levels, paralleling known disease-relevant SOS1 signaling profiles (PS3; PMID: 32603605). In summary, the clinical significance of SOS1 c.571G>A (p.Glu191Lys) is uncertain based on the ACMG/AMP criteria, as specified by the ClinGen RASopathy Variant Curation Expert Panel (PMID:29493581): PS3, PP3.

Genome-Nilou Lab
Classification: Uncertain significance for Noonan syndrome 4. Review status: criteria provided, single submitter. Criteria: ACMG Guidelines, 2015. Collection method: clinical testing. Allele origin: germline.

Genome-Nilou Lab
Classification: Uncertain significance for Fibromatosis, gingival, 1. Review status: criteria provided, single submitter. Criteria: ACMG Guidelines, 2015. Collection method: clinical testing. Allele origin: germline.

Genome Diagnostics Laboratory, Amsterdam University Medical Center
Classification: Uncertain significance. Review status: no assertion criteria provided. Collection method: clinical testing. Allele origin: germline. Affected: yes. Study: VKGL Data-share Consensus. Not counted in ClinVar's aggregate classification.

Joint Genome Diagnostic Labs from Nijmegen and Maastricht, Radboudumc and MUMC+
Classification: Uncertain significance. Review status: no assertion criteria provided. Collection method: clinical testing. Allele origin: germline. Affected: yes. Study: VKGL Data-share Consensus. Not counted in ClinVar's aggregate classification.

University of Washington Center for Mendelian Genomics, University of Washington
Classification: Uncertain significance for dilated cardiomyopathy. Review status: no assertion criteria provided. Collection method: research. Allele origin: inherited. Affected: yes. Not counted in ClinVar's aggregate classification.

Literature cited by the submitters: PubMed 32603605 (cited by Labcorp Genetics (formerly Invitae), Labcorp and University of Washington Center for Mendelian Genomics, University of Washington).